The following is an entry in ClinVar:

NM_000204.5(CFI):c.727G>C (p.Gly243Arg)

Gene: CFI (complement factor I; minus strand). Cytogenetic location: 4q25.
Variant type: single nucleotide variant.
Coding change: c.727G>C on transcript NM_000204.5 (MANE Select); coding-DNA position 727, G replaced by C.
Protein change: p.Gly243Arg; replaces glycine 243 with arginine.
Molecular consequence: missense variant. On other transcripts: non-coding transcript variant (3).
Genome position (GRCh38, 1-based): chr4:109,760,568, C>G on the plus strand (G>C on the coding strand, the complement: CFI is on the minus strand). VCF-style: chr4-109760568-C-G. GRCh37 (hg19) VCF-style: chr4-110681724-C-G.
Other names: c.727G>C, p.Gly243Arg (NM_001318057.2, NM_001331035.2, NM_001375278.1 and 10 more transcripts); c.118G>C, p.Gly40Arg (NM_001375284.1); short protein forms G243R, G40R.
Identifiers: ClinVar variation 4280478 (VCV004280478.2).

ClinVar aggregate classification (germline): Pathogenic (1 of 4 stars; one submission).

Conditions:
Atypical hemolytic-uremic syndrome. Identifiers: Orphanet 2134, MedGen C2931788, MONDO:0016244.

Submission:

Genomenon, Inc
Classification: Pathogenic for Atypical hemolytic-uremic syndrome. Last evaluated: 2026-09-17. Review status: criteria provided, single submitter. Criteria: Genomenon Sequence Variant Interpretation Standards - Updated. Collection method: curation. Allele origin: germline. Affected: yes.
Comment: CFI p.Gly243Arg (c.727G>C) is a missense variant that changes the amino acid at codon 243 from Glycine to Arginine. This variant has been observed in at least one proband affected with atypical hemolytic-uremic syndrome (PMID:31575699). At least one functional study has demonstrated a substantial alteration in protein function relative to the wild-type (PMID:37363824). This variant is located in a mutational hotspot and/or important functional domain. It is absent or not present at a significant frequency in gnomAD. In silico models predict that this variant is possibly or probably damaging. In conclusion, we classify CFI p.Gly243Arg (c.727G>C) as a pathogenic variant.

Literature cited by the submitters: PubMed 31575699; PubMed 37363824.